The following is an entry in ClinVar:

NM_004655.4(AXIN2):c.1782C>T (p.Ala594=)

Gene: AXIN2 (axin 2; minus strand). Cytogenetic location: 17q24.1.
Variant type: single nucleotide variant.
Coding change: c.1782C>T on transcript NM_004655.4 (MANE Select); coding-DNA position 1782, C replaced by T.
Protein change: p.Ala594=; no amino-acid change (alanine 594 retained).
Molecular consequence: synonymous variant. On other transcripts: intron variant (1).
Genome position (GRCh38, 1-based): chr17:65,536,994, G>A on the plus strand (C>T on the coding strand, the complement: AXIN2 is on the minus strand). VCF-style: chr17-65536994-G-A. GRCh37 (hg19) VCF-style: chr17-63533112-G-A.
Other names: c.1712+330C>T (NM_001363813.1).
Identifiers: ClinVar variation 2089329 (VCV002089329.5), dbSNP rs2509408181, ClinGen allele CA501691120.

ClinVar aggregate classification (germline): Benign/Likely benign. Review status: criteria provided, multiple submitters, no conflicts (2 of 4 stars). 2 submissions from 2 submitters: Benign (1); Likely benign (1). Last evaluated 2024-07-08.

Conditions:
Oligodontia-cancer predisposition syndrome. Also called: TOOTH AGENESIS-COLORECTAL CANCER SYNDROME. Identifiers: Orphanet 300576, MedGen C1837750, MONDO:0012075, OMIM 608615. Disease mechanism: loss of function.

Submissions (2):

Myriad Genetics, Inc.
Classification: Benign for Oligodontia-cancer predisposition syndrome. Last evaluated: 2024-07-08. Review status: criteria provided, single submitter. Criteria: Myriad Autosomal Dominant, Autosomal Recessive and X-Linked Classification Criteria (2023). Collection method: clinical testing. Allele origin: unknown.
Comment: This variant is considered benign. This variant is a silent/synonymous amino acid change and it is not expected to impact splicing.

Labcorp Genetics (formerly Invitae), Labcorp
Classification: Likely benign for Oligodontia-cancer predisposition syndrome. Last evaluated: 2022-05-17. Review status: criteria provided, single submitter. Criteria: Invitae Variant Classification Sherloc (09022015). Collection method: clinical testing. Allele origin: germline.